The following is an entry in ClinVar:

NM_006227.4(PLTP):c.193A>G (p.Ile65Val)

Gene: PLTP (phospholipid transfer protein; minus strand). Cytogenetic location: 20q13.12.
Variant type: single nucleotide variant.
Coding change: c.193A>G on transcript NM_006227.4 (MANE Select); coding-DNA position 193, A replaced by G.
Protein change: p.Ile65Val; replaces isoleucine 65 with valine.
Molecular consequence: missense variant.
Genome position (GRCh38, 1-based): chr20:45,911,159, T>C on the plus strand (A>G on the coding strand, the complement: PLTP is on the minus strand). VCF-style: chr20-45911159-T-C. GRCh37 (hg19) VCF-style: chr20-44539798-T-C.
Other names: c.193A>G, p.Ile65Val (NM_001242920.2, NM_182676.3); short protein forms I65V.
Identifiers: ClinVar variation 4755248 (VCV004755248.1).

ClinVar aggregate classification (germline): Uncertain significance (1 of 4 stars; one submission).

gnomAD v4.1: 39 of 1,611,496 alleles (0.0024%); highest among the groups gnomAD compares: Non-Finnish European, 0.0031%; no homozygotes.

Submission:

Labcorp Genetics (formerly Invitae), Labcorp
Classification: Uncertain significance. Last evaluated: 2025-12-29. Review status: criteria provided, single submitter. Criteria: Invitae Variant Classification Sherloc (09022015). Collection method: clinical testing. Allele origin: germline.
Comment: This sequence change replaces isoleucine, which is neutral and non-polar, with valine, which is neutral and non-polar, at codon 65 of the PLTP protein (p.Ile65Val). This variant is present in population databases (rs375342338, gnomAD 0.004%). This variant has not been reported in the literature in individuals affected with PLTP-related conditions. An algorithm developed to predict the effect of missense changes on protein structure and function (PolyPhen-2) suggests that this variant is likely to be tolerated. In summary, the available evidence is currently insufficient to determine the role of this variant in disease. Therefore, it has been classified as a Variant of Uncertain Significance.